The following is an entry in ClinVar:

ClinVar aggregate classification (germline): Uncertain significance (1 of 4 stars; one submission).

Conditions:
MEGF8-related Carpenter syndrome. Also called: Carpenter syndrome 2. Identifiers: Orphanet 65759, MedGen C3554247, MONDO:0013998, OMIM 614976.

Allele frequency attached by ClinVar (database versions not stated): TOPMed below 0.00001; gnomAD 0.00002.
gnomAD v4.1: 4 of 1,613,458 alleles (0.00025%); highest among the groups gnomAD compares: African/African-American, 0.004%; no homozygotes.

Submission:

Labcorp Genetics (formerly Invitae), Labcorp
Classification: Uncertain significance for MEGF8-related Carpenter syndrome. Last evaluated: 2022-07-21. Review status: criteria provided, single submitter. Criteria: Invitae Variant Classification Sherloc (09022015). Collection method: clinical testing. Allele origin: germline.
Comment: This sequence change replaces glutamic acid, which is acidic and polar, with lysine, which is basic and polar, at codon 1935 of the MEGF8 protein (p.Glu1935Lys). This variant is present in population databases (no rsID available, gnomAD 0.01%). This variant has not been reported in the literature in individuals affected with MEGF8-related conditions. Algorithms developed to predict the effect of missense changes on protein structure and function output the following: SIFT: "Deleterious"; PolyPhen-2: "Benign"; Align-GVGD: "Class C0". The lysine amino acid residue is found in multiple mammalian species, which suggests that this missense change does not adversely affect protein function. In summary, the available evidence is currently insufficient to determine the role of this variant in disease. Therefore, it has been classified as a Variant of Uncertain Significance.

NM_001271938.2(MEGF8):c.6004G>A (p.Glu2002Lys)

Gene: MEGF8 (multiple EGF like domains 8; plus strand). Cytogenetic location: 19q13.2.
Variant type: single nucleotide variant.
Coding change: c.6004G>A on transcript NM_001271938.2 (MANE Select); coding-DNA position 6004, G replaced by A.
Protein change: p.Glu2002Lys; replaces glutamic acid 2002 with lysine.
Molecular consequence: missense variant.
Genome position (GRCh38, 1-based): chr19:42,362,543, G>A. VCF-style: chr19-42362543-G-A. GRCh37 (hg19) VCF-style: chr19-42866695-G-A.
Other names: c.5803G>A, p.Glu1935Lys (NM_001410.3); short protein forms E2002K, E1935K.
Identifiers: ClinVar variation 2102605 (VCV002102605.4), dbSNP rs775608612, ClinGen allele CA406129408.